The following is an entry in ClinVar:

NM_020975.6(RET):c.569T>C (p.Leu190Pro)

Gene: RET (ret proto-oncogene; plus strand). Cytogenetic location: 10q11.21.
Variant type: single nucleotide variant.
Coding change: c.569T>C on transcript NM_020975.6 (MANE Select); coding-DNA position 569, T replaced by C.
Protein change: p.Leu190Pro; replaces leucine 190 with proline.
Molecular consequence: missense variant. On other transcripts: intron variant (15).
Genome position (GRCh38, 1-based): chr10:43,102,573, T>C. VCF-style: chr10-43102573-T-C. GRCh37 (hg19) VCF-style: chr10-43598021-T-C.
Other names: c.440T>C, p.Leu147Pro (NM_001406783.1, NM_001406786.1, NM_001406761.1 and 4 more transcripts); c.569T>C, p.Leu190Pro (NM_001406785.1, NM_001406787.1, NM_020630.7 and 14 more transcripts); c.337+1851T>C (NM_001406770.1, NM_001406766.1, NM_001406767.1 and 8 more transcripts); c.74-6458T>C (NM_001406784.1); c.74-9526T>C (NM_001406794.1, NM_001406792.1, NM_001406793.1); short protein forms L147P, L190P.
Identifiers: ClinVar variation 3623962 (VCV003623962.2).

ClinVar aggregate classification (germline): Uncertain significance (1 of 4 stars; one submission).

Conditions:
Multiple endocrine neoplasia, type 2 (MEN2). Identifiers: Orphanet 653, MedGen C4048306, MONDO:0019003. Disease mechanism: gain of function.

Submission:

Labcorp Genetics (formerly Invitae), Labcorp
Classification: Uncertain significance for Multiple endocrine neoplasia, type 2. Last evaluated: 2024-12-30. Review status: criteria provided, single submitter. Criteria: Invitae Variant Classification Sherloc (09022015). Collection method: clinical testing. Allele origin: germline.
Comment: This sequence change replaces leucine, which is neutral and non-polar, with proline, which is neutral and non-polar, at codon 190 of the RET protein (p.Leu190Pro). This variant is not present in population databases (gnomAD no frequency). This variant has not been reported in the literature in individuals affected with RET-related conditions. An algorithm developed to predict the effect of missense changes on protein structure and function (PolyPhen-2) suggests that this variant is likely to be disruptive. In summary, the available evidence is currently insufficient to determine the role of this variant in disease. Therefore, it has been classified as a Variant of Uncertain Significance.